The following is an entry in ClinVar:

ClinVar aggregate classification (germline): Uncertain significance (1 of 4 stars; one submission).

Conditions:
Hereditary cancer-predisposing syndrome. Also called: Tumor predisposition; Neoplastic Syndromes, Hereditary; Hereditary Cancer Syndrome; Hereditary neoplastic syndrome. Identifiers: Orphanet 140162, MedGen C0027672, MeSH D009386, MONDO:0015356.

Submission:

Ambry Genetics
Classification: Uncertain significance for Hereditary cancer-predisposing syndrome. Last evaluated: 2025-01-16. Review status: criteria provided, single submitter. Criteria: Ambry Variant Classification Scheme 2023. Collection method: clinical testing. Allele origin: germline.
Comment: The p.M192T variant (also known as c.575T>C), located in coding exon 6 of the MRE11A gene, results from a T to C substitution at nucleotide position 575. The methionine at codon 192 is replaced by threonine, an amino acid with similar properties. This amino acid position is conserved. In addition, this alteration is predicted to be deleterious by in silico analysis. Based on the available evidence, the clinical significance of this variant remains unclear.

NM_005591.4(MRE11):c.575T>C (p.Met192Thr)

Gene: MRE11 (MRE11 double strand break repair nuclease; minus strand). Cytogenetic location: 11q21.
Variant type: single nucleotide variant.
Coding change: c.575T>C on transcript NM_005591.4 (MANE Select); coding-DNA position 575, T replaced by C.
Protein change: p.Met192Thr; replaces methionine 192 with threonine.
Molecular consequence: missense variant.
Genome position (GRCh38, 1-based): chr11:94,476,373, A>G on the plus strand (T>C on the coding strand, the complement: MRE11 is on the minus strand). VCF-style: chr11-94476373-A-G. GRCh37 (hg19) VCF-style: chr11-94209539-A-G.
Other names: c.575T>C, p.Met192Thr (NM_001330347.2, NM_005590.4); short protein forms M192T.
Identifiers: ClinVar variation 3874326 (VCV003874326.1).
Genomic context (GRCh38, chr11:94,476,373, plus strand): 5'-TTAAACCAAGAGTTCTCATCTTCCTTTGGTCTCAACATTGTTACTTTTTTATTGACAAAC[A>G]TTCGATAGAGCCTTTCATCTGGAATGGATCCTGAAATGGACATTACATTATTTTTAAATT-3'
Protein context (NP_005582.1, residues 182-202): GSIPDERLYR[Met192Thr]FVNKKVTMLR